The following is an entry in ClinVar:

NM_201384.3(PLEC):c.6040C>G (p.Leu2014Val)

Gene: PLEC (plectin; minus strand). Cytogenetic location: 8q24.3.
Variant type: single nucleotide variant.
Coding change: c.6040C>G on transcript NM_201384.3 (MANE Select); coding-DNA position 6040, C replaced by G.
Protein change: p.Leu2014Val; replaces leucine 2014 with valine.
Molecular consequence: missense variant.
Genome position (GRCh38, 1-based): chr8:143,923,889, G>C on the plus strand (C>G on the coding strand, the complement: PLEC is on the minus strand). VCF-style: chr8-143923889-G-C. GRCh37 (hg19) VCF-style: chr8-144998057-G-C.
Other names: c.6121C>G, p.Leu2041Val (NM_000445.5); c.5998C>G, p.Leu2000Val (NM_201378.4); c.5974C>G, p.Leu1992Val (NM_201379.3); c.6451C>G, p.Leu2151Val (NM_201380.4); c.5944C>G, p.Leu1982Val (NM_201381.3); c.6040C>G, p.Leu2014Val (NM_201382.4); c.6052C>G, p.Leu2018Val (NM_201383.3); short protein forms L2041V, L1992V, L2151V, L1982V, L2018V, L2000V, L2014V.
Identifiers: ClinVar variation 594911 (VCV000594911.12), dbSNP rs782467182, ClinGen allele CA4926129.
Genomic context (GRCh38, chr8:143,923,889, plus strand): 5'-GCGCCGACTCCTGCTCCGCTCGCTCCCGCAGGCGCCGCGCCTCCTCCACCTTGGCTTTCA[G>C]CCGCTCGACTTCCTCCAGCGCCGCCTTCCGCTGCCGTGCGGCCTCCTCCTCGGCCGCCAG-3'
Protein context (NP_958786.1, residues 2004-2024): RKAALEEVER[Leu2014Val]KAKVEEARRL

ClinVar aggregate classification (germline): Uncertain significance. Review status: criteria provided, multiple submitters, no conflicts (2 of 4 stars). 2 submissions from 2 submitters: Uncertain significance (2). Last evaluated 2024-04-10.

Conditions:
Epidermolysis bullosa simplex 5B, with muscular dystrophy (EBS5B). Also called: Epidermolysis bullosa simplex with muscular dystrophy; EPIDERMOLYSIS BULLOSA SIMPLEX AND LIMB-GIRDLE MUSCULAR DYSTROPHY. Identifiers: Orphanet 257, MedGen C2931072, MONDO:0009181, OMIM 226670.
Epidermolysis bullosa simplex, Ogna type (EBS5A). Also called: Pidermolysis bullosa simplex 5A, Ogna type; EPIDERMOLYSIS BULLOSA SIMPLEX 5A, OGNA TYPE. Identifiers: Orphanet 79401, MedGen C0432317, MONDO:0007555, OMIM 131950.
Epidermolysis bullosa simplex with nail dystrophy (EBS5D). Identifiers: MedGen C4225309, MONDO:0014661, OMIM 616487.
Autosomal recessive limb-girdle muscular dystrophy type 2Q (LGMDR17). Also called: MUSCULAR DYSTROPHY, LIMB-GIRDLE, AUTOSOMAL RECESSIVE 17. Identifiers: Orphanet 254361, MedGen C3150989, MONDO:0013390, OMIM 613723.
Epidermolysis bullosa simplex 5C, with pyloric atresia (EBS5C). Also called: PLEC-Related Epidermolysis Bullosa with Pyloric Atresia; Epidermolysis bullosa simplex with pyloric atresia; PLEC1-Related Epidermolysis Bullosa with Pyloric Atresia. Identifiers: Orphanet 158684, MedGen C2677349, MONDO:0012807, OMIM 612138.

Allele frequency attached by ClinVar (database versions not stated): TOPMed 0.00005.
gnomAD v4.1: 39 of 1,594,714 alleles (0.0024%); highest among the groups gnomAD compares: Non-Finnish European, 0.0031%; no homozygotes.

Submissions (2):

Labcorp Genetics (formerly Invitae), Labcorp
Classification: Uncertain significance for Autosomal recessive limb-girdle muscular dystrophy type 2Q; Epidermolysis bullosa simplex, Ogna type; Epidermolysis bullosa simplex with nail dystrophy; Epidermolysis bullosa simplex 5C, with pyloric atresia; Epidermolysis bullosa simplex 5B, with muscular dystrophy. Last evaluated: 2024-04-10. Review status: criteria provided, single submitter. Criteria: Invitae Variant Classification Sherloc (09022015). Collection method: clinical testing. Allele origin: germline.
Comment: This sequence change replaces leucine, which is neutral and non-polar, with valine, which is neutral and non-polar, at codon 2041 of the PLEC protein (p.Leu2041Val). This variant is present in population databases (rs782467182, gnomAD 0.004%). This variant has not been reported in the literature in individuals affected with PLEC-related conditions. ClinVar contains an entry for this variant (Variation ID: 594911). Experimental studies and prediction algorithms are not available or were not evaluated, and the functional significance of this variant is currently unknown. In summary, the available evidence is currently insufficient to determine the role of this variant in disease. Therefore, it has been classified as a Variant of Uncertain Significance.

Eurofins Ntd Llc (ga)
Classification: Uncertain significance. Last evaluated: 2017-11-13. Review status: criteria provided, single submitter. Criteria: EGL Classification Definitions 2015. Collection method: clinical testing. Allele origin: germline. Observed: 1 variant allele, 1 heterozygote.